The following is an entry in ClinVar:

ClinVar aggregate classification (germline): Pathogenic (1 of 4 stars; one submission).

Conditions:
Familial thoracic aortic aneurysm and aortic dissection (TAAD). Also called: Thoracic aortic aneurysms and dissections. Identifiers: Orphanet 91387, MedGen C4707243, MONDO:0019625.
Hereditary cancer-predisposing syndrome. Also called: Neoplastic Syndromes, Hereditary; Tumor predisposition; Hereditary Cancer Syndrome; Hereditary neoplastic syndrome. Identifiers: Orphanet 140162, MedGen C0027672, MeSH D009386, MONDO:0015356.

Submission:

Ambry Genetics
Classification: Pathogenic for Hereditary cancer-predisposing syndrome; Familial thoracic aortic aneurysm and aortic dissection. Last evaluated: 2022-04-15. Review status: criteria provided, single submitter. Criteria: Ambry Variant Classification Scheme 2023. Collection method: clinical testing. Allele origin: germline.
Comment: The c.1158_1159insTG pathogenic mutation, located in coding exon 9 of the SMAD4 gene, results from an insertion of two nucleotides at position 1158, causing a translational frameshift with a predicted alternate stop codon (p.V387Wfs*29). This variant is considered to be rare based on population cohorts in the Genome Aggregation Database (gnomAD). This alteration is expected to result in loss of function by premature protein truncation or nonsense-mediated mRNA decay. As such, this alteration is interpreted as a disease-causing mutation.

NM_005359.6(SMAD4):c.1158_1159insTG (p.Val387fs)

Gene: SMAD4 (SMAD family member 4; plus strand). Cytogenetic location: 18q21.2.
Variant type: Insertion.
Coding change: c.1158_1159insTG on transcript NM_005359.6 (MANE Select); coding-DNA positions 1158 to 1159, TG inserted.
Protein change: p.Val387fs; shifts the reading frame from valine 387.
Molecular consequence: frameshift variant.
Genome position: GRCh38 VCF-style: chr18-51067037-T-TTG. GRCh37 (hg19) VCF-style: chr18-48593407-T-TTG.
Other names: c.1158_1159insTG, p.Val387Trpfs (NM_001407041.1, NM_001407042.1); short protein forms V387fs.
Identifiers: ClinVar variation 1735712 (VCV001735712.2), dbSNP rs2511384558, ClinGen allele CA2580095821.